The following is an entry in ClinVar:

NM_018946.4(NANS):c.440C>G (p.Ala147Gly)

Genes: NANS (N-acetylneuraminate synthase; plus strand), TRIM14 (tripartite motif containing 14; minus strand). Cytogenetic location: 9q22.33.
Variant type: single nucleotide variant.
Coding change: c.440C>G on transcript NM_018946.4 (MANE Select); coding-DNA position 440, C replaced by G.
Protein change: p.Ala147Gly; replaces alanine 147 with glycine.
Molecular consequence: missense variant.
Genome position (GRCh38, 1-based): chr9:98,077,009, C>G. VCF-style: chr9-98077009-C-G. GRCh37 (hg19) VCF-style: chr9-100839291-C-G.
Other names: short protein forms A147G.
Identifiers: ClinVar variation 3696783 (VCV003696783.2).

ClinVar aggregate classification (germline): Uncertain significance (1 of 4 stars; one submission).

gnomAD v4.1: 7 of 1,600,234 alleles (0.00044%); highest among the groups gnomAD compares: Non-Finnish European, 0.00051%; no homozygotes.

Submission:

Labcorp Genetics (formerly Invitae), Labcorp
Classification: Uncertain significance. Last evaluated: 2025-03-03. Review status: criteria provided, single submitter. Criteria: Invitae Variant Classification Sherloc (09022015). Collection method: clinical testing. Allele origin: germline.
Comment: This sequence change replaces alanine, which is neutral and non-polar, with glycine, which is neutral and non-polar, at codon 147 of the NANS protein (p.Ala147Gly). This variant is not present in population databases (gnomAD no frequency). This variant has not been reported in the literature in individuals affected with NANS-related conditions. An algorithm developed to predict the effect of missense changes on protein structure and function (PolyPhen-2) suggests that this variant is likely to be tolerated. In summary, the available evidence is currently insufficient to determine the role of this variant in disease. Therefore, it has been classified as a Variant of Uncertain Significance.